The following is an entry in ClinVar:

NM_000179.3(MSH6):c.1658C>T (p.Thr553Ile)

Gene: MSH6 (mutS homolog 6; plus strand). Cytogenetic location: 2p16.3.
Variant type: single nucleotide variant.
Coding change: c.1658C>T on transcript NM_000179.3 (MANE Select); coding-DNA position 1658, C replaced by T.
Protein change: p.Thr553Ile; replaces threonine 553 with isoleucine.
Molecular consequence: missense variant.
Genome position (GRCh38, 1-based): chr2:47,799,641, C>T. VCF-style: chr2-47799641-C-T. GRCh37 (hg19) VCF-style: chr2-48026780-C-T.
Other names: c.1268C>T, p.Thr423Ile (NM_001281492.2); c.752C>T, p.Thr251Ile (NM_001281493.2, NM_001281494.2); short protein forms T553I, T251I, T423I.
Identifiers: ClinVar variation 566337 (VCV000566337.15), dbSNP rs1553413038, ClinGen allele CA346747316.

ClinVar aggregate classification (germline): Uncertain significance. Review status: criteria provided, multiple submitters, no conflicts (2 of 4 stars). 3 submissions from 3 submitters: Uncertain significance (3). Last evaluated 2025-02-18.

Conditions:
Hereditary nonpolyposis colorectal neoplasms. Identifiers: MedGen C0009405, MeSH D003123.
Mismatch repair cancer syndrome 3. Identifiers: MedGen C5436807, MONDO:0030841, OMIM 619097.
Lynch syndrome 5 (LYNCH5). Also called: Colorectal cancer, hereditary nonpolyposis, type 5; Hereditary non-polyposis colorectal cancer, type 5. Identifiers: Orphanet 144, MedGen C1833477, MONDO:0013710, OMIM 614350. Disease mechanism: loss of function.
Hereditary cancer-predisposing syndrome. Also called: Tumor predisposition; Hereditary neoplastic syndrome; Neoplastic Syndromes, Hereditary; Hereditary Cancer Syndrome. Identifiers: Orphanet 140162, MedGen C0027672, MeSH D009386, MONDO:0015356.
Endometrial carcinoma. Also called: Endometrial carcinoma, somatic. Identifiers: MedGen C0476089, MONDO:0002447, OMIM 608089, HP:0012114.

gnomAD v4.1: 1 of 1,614,112 alleles (0.000062%); highest among the groups gnomAD compares: Non-Finnish European, 0.000085%; no homozygotes.

Submissions (3):

Labcorp Genetics (formerly Invitae), Labcorp
Classification: Uncertain significance for Hereditary nonpolyposis colorectal neoplasms. Last evaluated: 2025-02-18. Review status: criteria provided, single submitter. Criteria: Invitae Variant Classification Sherloc (09022015). Collection method: clinical testing. Allele origin: germline.
Comment: This sequence change replaces threonine, which is neutral and polar, with isoleucine, which is neutral and non-polar, at codon 553 of the MSH6 protein (p.Thr553Ile). This variant is not present in population databases (gnomAD no frequency). This variant has not been reported in the literature in individuals affected with MSH6-related conditions. ClinVar contains an entry for this variant (Variation ID: 566337). Invitae Evidence Modeling of protein sequence and biophysical properties (such as structural, functional, and spatial information, amino acid conservation, physicochemical variation, residue mobility, and thermodynamic stability) indicates that this missense variant is not expected to disrupt MSH6 protein function with a negative predictive value of 95%. In summary, the available evidence is currently insufficient to determine the role of this variant in disease. Therefore, it has been classified as a Variant of Uncertain Significance.

Ambry Genetics
Classification: Uncertain significance for Hereditary cancer-predisposing syndrome. Last evaluated: 2023-10-11. Review status: criteria provided, single submitter. Criteria: Ambry Variant Classification Scheme 2023. Collection method: clinical testing. Allele origin: germline.
Comment: The p.T553I variant (also known as c.1658C>T), located in coding exon 4 of the MSH6 gene, results from a C to T substitution at nucleotide position 1658. The threonine at codon 553 is replaced by isoleucine, an amino acid with similar properties. This amino acid position is not well conserved in available vertebrate species. In addition, this alteration is predicted to be tolerated by in silico analysis. Since supporting evidence is limited at this time, the clinical significance of this alteration remains unclear.

Baylor Genetics
Classification: Uncertain significance for Endometrial carcinoma. Last evaluated: 2023-09-13. Review status: criteria provided, single submitter. Criteria: ACMG Guidelines, 2015. Collection method: clinical testing. Allele origin: unknown.